The following is an entry in ClinVar:

ClinVar aggregate classification (germline): Uncertain significance (1 of 4 stars; one submission).

gnomAD v4.1: 1 of 1,585,666 alleles (0.000063%); highest among the groups gnomAD compares: Admixed American, 0.0019%; no homozygotes.

Submission:

GeneDx
Classification: Uncertain significance. Last evaluated: 2024-02-27. Review status: criteria provided, single submitter. Criteria: GeneDx Variant Classification Process June 2021. Collection method: clinical testing. Allele origin: germline. Affected: yes.
Comment: Not observed at significant frequency in large population cohorts (gnomAD); Missense variant in a gene in which most reported pathogenic variants are truncating/loss of function; Has not been previously published as pathogenic or benign to our knowledge

NM_001267550.2(TTN):c.60229T>A (p.Ser20077Thr)

Genes: TTN (titin; minus strand), TTN-AS1 (TTN antisense RNA 1; plus strand). Cytogenetic location: 2q31.2.
Variant type: single nucleotide variant.
Coding change: c.60229T>A on transcript NM_001267550.2 (MANE Select); coding-DNA position 60229, T replaced by A.
Protein change: p.Ser20077Thr; replaces serine 20077 with threonine.
Molecular consequence: missense variant.
Genome position (GRCh38, 1-based): chr2:178,591,496, A>T on the plus strand (T>A on the coding strand, the complement: TTN is on the minus strand). VCF-style: chr2-178591496-A-T. GRCh37 (hg19) VCF-style: chr2-179456223-A-T.
Other names: c.55306T>A, p.Ser18436Thr (NM_001256850.1); c.33034T>A, p.Ser11012Thr (NM_003319.4); c.52525T>A, p.Ser17509Thr (NM_133378.4); c.33409T>A, p.Ser11137Thr (NM_133432.3); c.33610T>A, p.Ser11204Thr (NM_133437.4); short protein forms S11012T, S11137T, S11204T, S17509T, S18436T, S20077T.
Identifiers: ClinVar variation 3368677 (VCV003368677.1).